The following is an entry in ClinVar:

NM_021930.6(RINT1):c.1747C>A (p.Gln583Lys)

Gene: RINT1 (RAD50 interactor 1; plus strand). Cytogenetic location: 7q22.3.
Variant type: single nucleotide variant.
Coding change: c.1747C>A on transcript NM_021930.6 (MANE Select); coding-DNA position 1747, C replaced by A.
Protein change: p.Gln583Lys; replaces glutamine 583 with lysine.
Molecular consequence: missense variant. On other transcripts: non-coding transcript variant (1).
Genome position (GRCh38, 1-based): chr7:105,563,808, C>A. VCF-style: chr7-105563808-C-A. GRCh37 (hg19) VCF-style: chr7-105204255-C-A.
Other names: c.1513C>A, p.Gln505Lys (NM_001346599.2); c.724C>A, p.Gln242Lys (NM_001346600.2, NM_001346603.2); c.823C>A, p.Gln275Lys (NM_001346601.2); short protein forms Q242K, Q275K, Q505K, Q583K.
Identifiers: ClinVar variation 5028297 (VCV005028297.1).

ClinVar aggregate classification (germline): Uncertain significance (1 of 4 stars; one submission).

Submission:

Ambry Genetics
Classification: Uncertain significance. Last evaluated: 2026-08-24. Review status: criteria provided, single submitter. Criteria: Ambry Variant Classification Scheme 2023. Collection method: clinical testing. Allele origin: germline.
Comment: The p.Q583K variant (also known as c.1747C>A), located in coding exon 12 of the RINT1 gene, results from a C to A substitution at nucleotide position 1747. The glutamine at codon 583 is replaced by lysine, an amino acid with similar properties. This amino acid position is conserved. In addition, this alteration is predicted to be tolerated by in silico analysis. Based on the available evidence, the clinical significance of this variant remains unclear.